The following is an entry in ClinVar:

NM_016156.6(MTMR2):c.1847G>A (p.Arg616Lys)

Gene: MTMR2 (myotubularin related protein 2; minus strand). Cytogenetic location: 11q21.
Variant type: single nucleotide variant.
Coding change: c.1847G>A on transcript NM_016156.6 (MANE Select); coding-DNA position 1847, G replaced by A.
Protein change: p.Arg616Lys; replaces arginine 616 with lysine.
Molecular consequence: missense variant.
Genome position (GRCh38, 1-based): chr11:95,835,375, C>T on the plus strand (G>A on the coding strand, the complement: MTMR2 is on the minus strand). VCF-style: chr11-95835375-C-T. GRCh37 (hg19) VCF-style: chr11-95568539-C-T.
Other names: c.1631G>A, p.Arg544Lys (NM_001243571.2, NM_201278.3, NM_201281.3); short protein forms R544K, R616K.
Identifiers: ClinVar variation 1424725 (VCV001424725.6), dbSNP rs2135399090, ClinGen allele CA382412650.

ClinVar aggregate classification (germline): Uncertain significance (1 of 4 stars; one submission).

Conditions:
Charcot-Marie-Tooth disease type 4. Also called: Charcot-Marie-Tooth disease, type IV; Charcot-Marie-Tooth, Type 4. Identifiers: Orphanet 64749, MedGen C4082197, MONDO:0018995.

Allele frequency attached by ClinVar (database versions not stated): gnomAD exomes 0.00001.

Submission:

Labcorp Genetics (formerly Invitae), Labcorp
Classification: Uncertain significance for Charcot-Marie-Tooth disease type 4. Last evaluated: 2021-12-01. Review status: criteria provided, single submitter. Criteria: Invitae Variant Classification Sherloc (09022015). Collection method: clinical testing. Allele origin: germline.
Comment: In summary, the available evidence is currently insufficient to determine the role of this variant in disease. Therefore, it has been classified as a Variant of Uncertain Significance. Advanced modeling of protein sequence and biophysical properties (such as structural, functional, and spatial information, amino acid conservation, physicochemical variation, residue mobility, and thermodynamic stability) performed at Invitae indicates that this missense variant is expected to disrupt MTMR2 protein function. This variant has not been reported in the literature in individuals affected with MTMR2-related conditions. This variant is not present in population databases (gnomAD no frequency). This sequence change replaces arginine, which is basic and polar, with lysine, which is basic and polar, at codon 616 of the MTMR2 protein (p.Arg616Lys).